The following is an entry in ClinVar:

NM_206933.4(USH2A):c.7642A>G (p.Met2548Val)

Gene: USH2A (usherin; minus strand). Cytogenetic location: 1q41.
Variant type: single nucleotide variant.
Coding change: c.7642A>G on transcript NM_206933.4 (MANE Select); coding-DNA position 7642, A replaced by G.
Protein change: p.Met2548Val; replaces methionine 2548 with valine.
Molecular consequence: missense variant.
Genome position (GRCh38, 1-based): chr1:215,889,007, T>C on the plus strand (A>G on the coding strand, the complement: USH2A is on the minus strand). VCF-style: chr1-215889007-T-C. GRCh37 (hg19) VCF-style: chr1-216062349-T-C.
Other names: short protein forms M2548V.
Identifiers: ClinVar variation 1382337 (VCV001382337.6), dbSNP rs2102460660, ClinGen allele CA344841536.
Genomic context (GRCh38, chr1:215,889,007, plus strand): 5'-TGTTATAATGGGTAATAACCCCATTGGATTTTCTAGGATGCTGCCAGGTGACCAACATCA[T>C]TCTTGACTTCACATCCAGAAGAATCGGAGGAACTACAGGTCCAGGTTCTGTAAAGTAAAA-3'
Protein context (NP_996816.3, residues 2538-2558): PPILLDVKSR[Met2548Val]MLVTWQHPRK

ClinVar aggregate classification (germline): Uncertain significance (1 of 4 stars; one submission).

Submission:

Labcorp Genetics (formerly Invitae), Labcorp
Classification: Uncertain significance. Last evaluated: 2021-09-19. Review status: criteria provided, single submitter. Criteria: Invitae Variant Classification Sherloc (09022015). Collection method: clinical testing. Allele origin: germline.
Comment: Algorithms developed to predict the effect of missense changes on protein structure and function output the following: SIFT: "Tolerated"; PolyPhen-2: "Benign"; Align-GVGD: "Class C0". The valine amino acid residue is found in multiple mammalian species, which suggests that this missense change does not adversely affect protein function. In summary, the available evidence is currently insufficient to determine the role of this variant in disease. Therefore, it has been classified as a Variant of Uncertain Significance. This variant has not been reported in the literature in individuals affected with USH2A-related conditions. This sequence change replaces methionine with valine at codon 2548 of the USH2A protein (p.Met2548Val). The methionine residue is highly conserved and there is a small physicochemical difference between methionine and valine. This variant is not present in population databases (ExAC no frequency).